The following is an entry in ClinVar:

ClinVar aggregate classification (germline): Pathogenic. Review status: criteria provided, multiple submitters, no conflicts (2 of 4 stars). 8 submissions from 8 submitters: Pathogenic (7). 1 of the submissions does not count toward it. Last evaluated 2026-01-13.

Conditions:
CCDC107 & RMRP-related disorders.
Anauxetic dysplasia 1 (ANXD1). Also called: Anauxetic Dysplasia (AD). Identifiers: Orphanet 93347, MedGen C4551965, MONDO:0054560, OMIM 607095.
Metaphyseal chondrodysplasia, McKusick type (CHH). Also called: Cartilage-hair hypoplasia; Cartilage-Hair Hypoplasia (CHH). Identifiers: Orphanet 175, MedGen C0220748, MONDO:0009595, OMIM 250250.
Metaphyseal dysplasia without hypotrichosis. Also called: Metaphyseal Dysplasia without Hypotrichosis (MDWH); CARTILAGE-HAIR HYPOPLASIA VARIANT, SKELETAL MANIFESTATIONS ONLY; CARTILAGE-HAIR HYPOPLASIA-LIKE SKELETAL DYSPLASIA WITHOUT HYPOTRICHOSIS OR IMMUNODEFICIENCY. Identifiers: MedGen C1834821, MONDO:0009601, OMIM 250460.
Anauxetic dysplasia. Identifiers: Orphanet 93347, MedGen C1846796, MONDO:0011773.

Submissions (8):

Labcorp Genetics (formerly Invitae), Labcorp
Classification: Pathogenic for Anauxetic dysplasia. Last evaluated: 2026-01-13. Review status: criteria provided, single submitter. Criteria: Invitae Variant Classification Sherloc (09022015). Collection method: clinical testing. Allele origin: germline.
Comment: This variant occurs in the RMRP gene, which encodes an RNA molecule that does not result in a protein product. This variant is present in population databases (no rsID available, gnomAD 0.02%). This variant has been observed in individual(s) with cartilage-hair hypoplasia (CHH) (PMID: 15780958, 16838329). In at least one individual the data is consistent with being in trans (on the opposite chromosome) from a pathogenic variant. This variant is also known as -4_-23dup, -5_-24dup, and -6_-25dup. ClinVar contains an entry for this variant (Variation ID: 550387). Algorithms developed to predict the effect of variants on gene product structure and function are not available or were not evaluated for this variant. Experimental studies have shown that this variant affects RMRP function (PMID: 16254002). For these reasons, this variant has been classified as Pathogenic.

Natera, Inc.
Classification: Pathogenic for Cartilage-hair hypoplasia. Last evaluated: 2025-11-18. Review status: criteria provided, single submitter. Criteria: Natera Variant Classification Schema (03/2026). Collection method: clinical testing. Allele origin: germline.
Comment: The n.-22_-3dupTACTCTGTGAAGCTGAGGAC variant in RMRP is a duplication affecting the RMRP promoter region between the TATA box and the transcription initiation site. Other duplications and insertions just upstream of the transcription initiation site have been reported in individuals affected with cartilage-hair hypoplasia (PMID: 11207361, 17937437). This variant is rare in the general population with a frequency below the threshold expected for the associated phenotype(s). This variant has been observed in one or more individuals affected with the associated recessive disease, as either homozygous or compound heterozygous with a second variant (PMID: 15780958, 16838329, 20112607). Given the available evidence, this variant is classified as Pathogenic.

Blueprint Genetics
Classification: Pathogenic for CCDC107 & RMRP-related disorders. Last evaluated: 2024-08-12. Review status: criteria provided, single submitter. Criteria: ACMG Guidelines, 2015. Collection method: clinical testing. Allele origin: germline. Affected: yes. Observed: 5 variant alleles.

Laboratorio de Biologia Molecular/Medicina Genomica - IFF/Fiocruz, Instituto Fernandes Figueira, Fundacao Oswaldo Cruz
Classification: Pathogenic for Metaphyseal chondrodysplasia, McKusick type. Last evaluated: 2024-01-25. Review status: criteria provided, single submitter. Criteria: ACMG Guidelines, 2015. Collection method: clinical testing. Allele origin: germline. Affected: yes. Observed: 1 variant allele.
Comment: This alteration is located within the promoter region of the RMRP gene, which encodes an untranslated RNA. Other insertions and duplications in this region have been reported in individuals affected with cartilage-hair hypoplasia-anauxetic dysplasia spectrum disorders (PMID: 11207361, 21956908, 21396580). This variant involves the duplication of 20 nucleotides between the TATA box and the transcription initiation site and functional studies have shown that this type of alteration result in reduced expression of the RMRP gene (PMIDs: 11207361, 16254002). For these reasons, this variant has been classified as Pathogenic.

Fulgent Genetics
Classification: Pathogenic for Metaphyseal chondrodysplasia, McKusick type; Metaphyseal dysplasia without hypotrichosis; Anauxetic dysplasia 1. Last evaluated: 2022-05-05. Review status: criteria provided, single submitter. Criteria: ACMG Guidelines, 2015. Collection method: clinical testing. Allele origin: unknown.

Women's Health and Genetics/Laboratory Corporation of America, LabCorp
Classification: Pathogenic for Metaphyseal chondrodysplasia, McKusick type. Last evaluated: 2021-04-05. Review status: criteria provided, single submitter. Criteria: LabCorp Variant Classification Summary - May 2015. Collection method: clinical testing. Allele origin: germline.
Comment: Variant summary: RMRP n.-22_-3dup20 involves the duplication of 20 nucleotides in the promoter region of RMRP, which is located between the TATA box (-33 to -25) and the transcription initiation site. Other insertions or duplications in the promoter region of RMRP have been classified as pathogenic (internally and in ClinVar). The variant allele was found at a frequency of 5.7e-05 in 158744 control chromosomes (all heterozygotes). The variant has been reported in the literature in multiple individuals affected with Cartilage-Hair Hypoplasia (Harada_2005, Hermanns_2006, Turkkani-Asal_2009). These data indicate that the variant is likely to be associated with disease. At least one publication reports experimental evidence evaluating an impact on protein function, and demonstrated that the variant resulted in severely reduced RMRP transcription (Hermanns_2005). Two clinical diagnostic laboratories have submitted clinical-significance assessments for this variant to ClinVar after 2014, and classified the variant as pathogenic (n=1) / likely pathogenic (n=1). Based on the evidence outlined above, the variant was classified as pathogenic.

Shenzhen Maternity and Child Healthcare Hospital, Institute of Maternal and Child Medicine Research
Classification: Pathogenic for Metaphyseal chondrodysplasia, McKusick type. Review status: criteria provided, single submitter. Criteria: ACMG Guidelines, 2015. Collection method: research. Allele origin: inherited. Inheritance: Autosomal recessive inheritance. Affected: yes. Observed: 1 heterozygote.

Counsyl
Classification: Likely pathogenic for Metaphyseal chondrodysplasia, McKusick type. Last evaluated: 2017-01-20. Review status: no assertion criteria provided. Collection method: clinical testing. Allele origin: unknown. Not counted in ClinVar's aggregate classification.

Literature cited by the submitters: PubMed 15780958 (cited by 4 submitters); PubMed 16838329 (cited by 4 submitters); PubMed 16254002 (cited by 3 submitters); PubMed 11207361 (cited by Natera, Inc. and Counsyl); PubMed 17937437 (cited by Natera, Inc. and Counsyl); PubMed 20112607 (cited by Natera, Inc. and Women's Health and Genetics/Laboratory Corporation of America, LabCorp); PubMed 32021596 (cited by Laboratorio de Biologia Molecular/Medicina Genomica - IFF/Fiocruz, Instituto Fernandes Figueira, Fundacao Oswaldo Cruz and Shenzhen Maternity and Child Healthcare Hospital, Institute of Maternal and Child Medicine Research); PubMed 17189938 (cited by Women's Health and Genetics/Laboratory Corporation of America, LabCorp); PubMed 17701897 (cited by Shenzhen Maternity and Child Healthcare Hospital, Institute of Maternal and Child Medicine Research); PubMed 11940090 (cited by Shenzhen Maternity and Child Healthcare Hospital, Institute of Maternal and Child Medicine Research); PubMed 14608646 (cited by Counsyl).

NR_003051.4(RMRP):n.-21_-2dup

Gene: RMRP (RNA component of mitochondrial RNA processing endoribonuclease; minus strand). Cytogenetic location: 9p13.3.
Variant type: Duplication.
Genome position: GRCh38 VCF-style: chr9-35658020-C-CGTCCTCAGCTTCACAGAGTA. GRCh37 (hg19) VCF-style: chr9-35658017-C-CGTCCTCAGCTTCACAGAGTA.
Identifiers: ClinVar variation 550387 (VCV000550387.21), dbSNP rs1554651411, ClinGen allele CA587570194.